The following is an entry in ClinVar:

ClinVar aggregate classification (germline): Conflicting classifications of pathogenicity. Review status: criteria provided, conflicting classifications (1 of 4 stars). 14 submissions from 14 submitters: Uncertain significance (11); Likely benign (1). 2 of the submissions do not count toward it. Last evaluated 2026-02-14.

Conditions:
BARD1-related disorder. Also called: BARD1-related condition.
Hereditary cancer-predisposing syndrome. Also called: Neoplastic Syndromes, Hereditary; Hereditary neoplastic syndrome; Hereditary Cancer Syndrome; Tumor predisposition. Identifiers: Orphanet 140162, MedGen C0027672, MeSH D009386, MONDO:0015356.
Hereditary breast ovarian cancer syndrome. Also called: Hereditary breast and ovarian cancer syndrome; Hereditary breast and/or ovarian cancer syndrome; BRCA1- and BRCA2-Associated Hereditary Breast and Ovarian Cancer; Breast and ovarian cancer; Hereditary breast and ovarian cancer syndrome (HBOC); Hereditary breast and ovarian cancer. Identifiers: Orphanet 145, MedGen C0677776, MeSH D061325, MONDO:0003582. Disease mechanism: loss of function.
Familial cancer of breast. Also called: BREAST CANCER, FAMILIAL; Hereditary breast cancer; hereditary breast carcinoma. Identifiers: Orphanet 227535, MedGen C0346153, MONDO:0016419, OMIM 114480. Disease mechanism: loss of function.
Malignant tumor of breast. Also called: Malignant breast neoplasm; Cancer breast. Identifiers: MedGen C0006142, MONDO:0007254. Disease mechanism: loss of function.

Allele frequency attached by ClinVar (database versions not stated): ExAC 0.00003; gnomAD exomes 0.00003; ESP Exome Variant Server 0.00008; gnomAD 0.00009; TOPMed 0.00011; 1000 Genomes Project 30x 0.00016; 1000 Genomes Project 0.00020.
gnomAD v4.1: 36 of 1,582,026 alleles (0.0023%); highest among the groups gnomAD compares: African/African-American, 0.042%; no homozygotes.

Submissions (14):

PreventionGenetics, part of Exact Sciences
Classification: Uncertain significance for BARD1-related condition. Last evaluated: 2026-02-14. Review status: criteria provided, single submitter. Criteria: ACMG Guidelines, 2015. Collection method: clinical testing. Allele origin: germline.
Comment: The BARD1 c.764A>G variant is predicted to result in the amino acid substitution p.Asn255Ser. This variant was reported in individuals with breast cancer (Lerner-Ellis et al. 2020. PubMed ID: 32885271; da Costa et al. 2020. PubMed ID: 32039725; Bishop et al. 2020. PubMed ID: 32866190). This variant is reported in 0.033% of alleles in individuals of African descent in gnomAD and and has conflicting interpretations in ClinVar ranging from likely benign to uncertain (Variation ID: 245891). Although we suspect that this variant may be benign, at this time, the clinical significance of this variant is uncertain due to the absence of conclusive functional and genetic evidence.

Labcorp Genetics (formerly Invitae), Labcorp
Classification: Uncertain significance for Familial cancer of breast. Last evaluated: 2026-01-19. Review status: criteria provided, single submitter. Criteria: Invitae Variant Classification Sherloc (09022015). Collection method: clinical testing. Allele origin: germline.
Comment: This sequence change replaces asparagine, which is neutral and polar, with serine, which is neutral and polar, at codon 255 of the BARD1 protein (p.Asn255Ser). This variant is present in population databases (rs138904906, gnomAD 0.03%). This missense change has been observed in individual(s) with breast cancer (PMID: 32039725, 32866190, 32885271). ClinVar contains an entry for this variant (Variation ID: 245891). An algorithm developed to predict the effect of missense changes on protein structure and function outputs the following: PolyPhen-2: "Benign". The serine amino acid residue is found in multiple mammalian species, which suggests that this missense change does not adversely affect protein function. In summary, the available evidence is currently insufficient to determine the role of this variant in disease. Therefore, it has been classified as a Variant of Uncertain Significance.

Ambry Genetics
Classification: Uncertain significance for Hereditary cancer-predisposing syndrome. Last evaluated: 2025-11-12. Review status: criteria provided, single submitter. Criteria: Ambry Variant Classification Scheme 2023. Collection method: clinical testing. Allele origin: germline.

Dasa
Classification: Uncertain significance. Last evaluated: 2025-08-04. Review status: criteria provided, single submitter. Criteria: DASA Assertion Criteria. Collection method: clinical testing. Allele origin: germline.
Comment: NM_000465.4(BARD1):c.764A>G (p.Asn255Ser) is a missense variant that results in the substitution of asparagine with serine. This variant is rare in population databases. Computational prediction algorithms are consistent with a benign effect. The currently available literature and clinical evidence are not sufficient to establish a definitive association between this variant and the reported condition. Therefore, this variant is classified as a variant of uncertain significance.

GeneDx
Classification: Uncertain significance. Last evaluated: 2024-11-11. Review status: criteria provided, single submitter. Criteria: GeneDx Variant Classification Process June 2021. Collection method: clinical testing. Allele origin: germline. Affected: yes.
Comment: In silico analysis indicates that this missense variant does not alter protein structure/function; This variant is associated with the following publications: (PMID: 31871109, 23056176, 32039725, 32885271, 32832836, 32866190)

Color Diagnostics, LLC DBA Color Health
Classification: Uncertain significance for Hereditary cancer-predisposing syndrome. Last evaluated: 2024-07-15. Review status: criteria provided, single submitter. Criteria: ACMG Guidelines, 2015. Collection method: clinical testing. Allele origin: germline.
Comment: This missense variant replaces asparagine with serine at codon 255 of the BARD1 protein. Computational prediction suggests that this variant may not impact protein structure and function. To our knowledge, functional studies have not been reported for this variant. This variant has been identified in individuals affected with breast cancer (PMID: 31871109, 32039725, 32866190, 32885271). This variant has been identified in 8/253060 chromosomes in the general population by the Genome Aggregation Database (gnomAD). The available evidence is insufficient to determine the role of this variant in disease conclusively. Therefore, this variant is classified as a Variant of Uncertain Significance.

Fulgent Genetics
Classification: Uncertain significance for Familial cancer of breast. Last evaluated: 2024-03-28. Review status: criteria provided, single submitter. Criteria: ACMG Guidelines, 2015. Collection method: clinical testing. Allele origin: germline.

Baylor Genetics
Classification: Uncertain significance for Familial cancer of breast. Last evaluated: 2023-10-22. Review status: criteria provided, single submitter. Criteria: ACMG Guidelines, 2015. Collection method: clinical testing. Allele origin: unknown.

Quest Diagnostics Nichols Institute San Juan Capistrano
Classification: Uncertain significance. Last evaluated: 2023-09-28. Review status: criteria provided, single submitter. Criteria: Quest Diagnostics criteria. Collection method: clinical testing. Allele origin: unknown.

Women's Health and Genetics/Laboratory Corporation of America, LabCorp
Classification: Uncertain significance. Last evaluated: 2023-07-13. Review status: criteria provided, single submitter. Criteria: LabCorp Variant Classification Summary - May 2015. Collection method: clinical testing. Allele origin: germline.
Comment: Variant summary: BARD1 c.764A>G (p.Asn255Ser) results in a conservative amino acid change in the encoded protein sequence. Four of five in-silico tools predict a benign effect of the variant on protein function. The variant allele was found at a frequency of 2.7e-05 in 221662 control chromosomes, predominantly at a frequency of 0.00038 within the African or African-American subpopulation in the gnomAD database. The available data on variant occurrences in the general population are insufficient to allow any conclusion about variant significance. c.764A>G has been reported in the literature in individuals affected with breast cancer without strong evidence of causality (Adedokun_2020, Bishop_2020, Carvalho_2020). These reports do not provide unequivocal conclusions about association of the variant with Hereditary Breast And Ovarian Cancer Syndrome. To our knowledge, no experimental evidence demonstrating an impact on protein function has been reported. The following publications have been ascertained in the context of this evaluation (PMID: 23056176, 32039725, 31871109, 32866190). Seven submitters have cited clinical-significance assessments for this variant to ClinVar after 2014, and classified it as uncertain significance (n=6) or likely benign (n=1). Based on the evidence outlined above, the variant was classified as uncertain significance.

Myriad Genetics, Inc.
Classification: Uncertain significance for Familial cancer of breast. Last evaluated: 2023-02-24. Review status: criteria provided, single submitter. Criteria: Myriad Autosomal Dominant, Autosomal Recessive and X-Linked Classification Criteria (2023). Collection method: clinical testing. Allele origin: unknown.
Comment: This variant is classified as a variant of uncertain significance as there is insufficient evidence to determine its impact on protein function and/or cancer risk.

National Health Laboratory Service, Universitas Academic Hospital and University of the Free State
Classification: Likely benign for Hereditary breast ovarian cancer syndrome. Last evaluated: 2022-04-19. Review status: criteria provided, single submitter. Criteria: ACMG Guidelines, 2015. Collection method: clinical testing. Allele origin: germline. Affected: yes. Observed: 1 variant allele.

Counsyl
Classification: Uncertain significance for Familial cancer of breast. Last evaluated: 2018-04-17. Review status: no assertion criteria provided. Collection method: clinical testing. Allele origin: unknown. Not counted in ClinVar's aggregate classification.

Department of Pathology and Laboratory Medicine, Sinai Health System
Classification: Uncertain significance for Malignant tumor of breast. Review status: no assertion criteria provided. Collection method: clinical testing. Allele origin: unknown. Affected: yes. Study: The Canadian Open Genetics Repository (COGR). Not counted in ClinVar's aggregate classification.
Comment: The BARD1 p.Asn255Ser variant was not identified in the literature. The variant was identified in dbSNP (rs138904906) as â€šÃ„Ãºwith uncertain significance alleleâ€šÃ„Ã¹, ClinVar (interpreted as "uncertain significance" by Invitae and 5 others). The variant was identified in control databases in 8 of 247,792 chromosomes at a frequency of 0.00003 (Genome Aggregation Database Feb 27, 2017). The variant was observed in the following populations: African in 8 of 23,516 chromosomes (freq: 0.0003), but not in the â€šÃ„ÃºOtherâ€šÃ„Ã¹, Latino, European, Ashkenazi Jewish, East Asian, Finnish and South Asian populations. The p.Asn255 residue is conserved in mammals but not in more distantly related organisms however four out of five computational analyses (PolyPhen-2, SIFT, AlignGVGD, BLOSUM, MutationTaster) do not suggest a high likelihood of impact to the protein; this information is not predictive enough to rule out pathogenicity. The variant occurs outside of the splicing consensus sequence and in silico or computational prediction software programs (SpliceSiteFinder, MaxEntScan, NNSPLICE, GeneSplicer) do not predict a difference in splicing. In summary, based on the above information the clinical significance of this variant cannot be determined with certainty at this time. This variant is classified as a variant of uncertain significance.

Literature cited by the submitters: PubMed 32039725 (cited by 4 submitters); PubMed 32866190 (cited by 3 submitters); PubMed 32885271 (cited by 3 submitters); PubMed 31871109 (cited by 3 submitters); PubMed 23056176 (cited by Quest Diagnostics Nichols Institute San Juan Capistrano and Women's Health and Genetics/Laboratory Corporation of America, LabCorp).

NM_000465.4(BARD1):c.764A>G (p.Asn255Ser)

Gene: BARD1 (BRCA1 associated RING domain 1; minus strand). Cytogenetic location: 2q35.
Variant type: single nucleotide variant.
Coding change: c.764A>G on transcript NM_000465.4 (MANE Select); coding-DNA position 764, A replaced by G.
Protein change: p.Asn255Ser; replaces asparagine 255 with serine.
Molecular consequence: missense variant. On other transcripts: non-coding transcript variant (2), intron variant (3).
Genome position (GRCh38, 1-based): chr2:214,781,110, T>C on the plus strand (A>G on the coding strand, the complement: BARD1 is on the minus strand). VCF-style: chr2-214781110-T-C. GRCh37 (hg19) VCF-style: chr2-215645834-T-C.
Other names: NP_000456.2:p.Asn255Ser; c.707A>G, p.Asn236Ser (NM_001282543.2); c.158+28302A>G (NM_001282548.2); c.215+15951A>G (NM_001282545.2); c.364+11187A>G (NM_001282549.2); short protein forms N255S, N236S.
Identifiers: ClinVar variation 245891 (VCV000245891.43), dbSNP rs138904906, ClinGen allele CA2090382.